The following is an entry in ClinVar:

NM_001957.4(EDNRA):c.1190C>T (p.Ser397Leu)

Gene: EDNRA (endothelin receptor type A; plus strand). Cytogenetic location: 4q31.23.
Variant type: single nucleotide variant.
Coding change: c.1190C>T on transcript NM_001957.4 (MANE Select); coding-DNA position 1190, C replaced by T.
Protein change: p.Ser397Leu; replaces serine 397 with leucine.
Molecular consequence: missense variant. On other transcripts: non-coding transcript variant (3).
Genome position (GRCh38, 1-based): chr4:147,542,524, C>T. VCF-style: chr4-147542524-C-T. GRCh37 (hg19) VCF-style: chr4-148463676-C-T.
Other names: c.863C>T, p.Ser288Leu (NM_001166055.2); short protein forms S288L, S397L.
Identifiers: ClinVar variation 2712721 (VCV002712721.4), dbSNP rs775518063, ClinGen allele CA3098061.

ClinVar aggregate classification (germline): Conflicting classifications of pathogenicity. Review status: criteria provided, conflicting classifications (1 of 4 stars). 2 submissions from 2 submitters: Uncertain significance (1); Likely benign (1). Last evaluated 2024-09-09.

Allele frequency attached by ClinVar (database versions not stated): gnomAD 0.00003; TOPMed 0.00003; ExAC 0.00007.
gnomAD v4.1: 53 of 1,613,986 alleles (0.0033%); highest among the groups gnomAD compares: Middle Eastern, 0.016%; no homozygotes.

Submissions (2):

Blueprint Genetics
Classification: Likely benign. Last evaluated: 2024-09-09. Review status: criteria provided, single submitter. Criteria: ACMG Guidelines, 2015. Collection method: clinical testing. Allele origin: germline.

Labcorp Genetics (formerly Invitae), Labcorp
Classification: Uncertain significance. Last evaluated: 2023-03-02. Review status: criteria provided, single submitter. Criteria: Invitae Variant Classification Sherloc (09022015). Collection method: clinical testing. Allele origin: germline.
Comment: In summary, the available evidence is currently insufficient to determine the role of this variant in disease. Therefore, it has been classified as a Variant of Uncertain Significance. An algorithm developed to predict the effect of missense changes on protein structure and function (PolyPhen-2) suggests that this variant is likely to be tolerated. This variant has not been reported in the literature in individuals affected with EDNRA-related conditions. This variant is present in population databases (rs775518063, gnomAD 0.009%). This sequence change replaces serine, which is neutral and polar, with leucine, which is neutral and non-polar, at codon 397 of the EDNRA protein (p.Ser397Leu).